The following is an entry in ClinVar:

NM_019032.6(ADAMTSL4):c.1424G>A (p.Gly475Glu)

Genes: ADAMTSL4 (ADAMTS like 4; plus strand), ADAMTSL4-AS2 (ADAMTSL4 antisense RNA 2; minus strand). Cytogenetic location: 1q21.2.
Variant type: single nucleotide variant.
Coding change: c.1424G>A on transcript NM_019032.6 (MANE Select); coding-DNA position 1424, G replaced by A.
Protein change: p.Gly475Glu; replaces glycine 475 with glutamic acid.
Molecular consequence: missense variant.
Genome position (GRCh38, 1-based): chr1:150,556,214, G>A. VCF-style: chr1-150556214-G-A. GRCh37 (hg19) VCF-style: chr1-150528690-G-A.
Other names: c.1493G>A, p.Gly498Glu (NM_001288607.2, NM_001288608.2); c.1424G>A, p.Gly475Glu (NM_001378596.1, NM_025008.5); short protein forms G475E, G498E.
Identifiers: ClinVar variation 2100203 (VCV002100203.2), dbSNP rs1318980556, ClinGen allele CA342308954.
Genomic context (GRCh38, chr1:150,556,214, plus strand): 5'-CTCTCCAGAGCCCCGGCTGTGATGGGATCCTTGGCTCTGGCAGGCGTCCTGATGGCTGTG[G>A]AGTCTGTGGGGGTGATGATTCTACCTGTCGCCTTGTTTCGGGGAACCTCACTGACCGAGG-3'
Protein context (NP_061905.2, residues 465-485): LGSGRRPDGC[Gly475Glu]VCGGDDSTCR

ClinVar aggregate classification (germline): Uncertain significance (1 of 4 stars; one submission).

gnomAD v4.1: 2 of 1,614,200 alleles (0.00012%); highest among the groups gnomAD compares: Non-Finnish European, 0.00017%; no homozygotes.

Submission:

Labcorp Genetics (formerly Invitae), Labcorp
Classification: Uncertain significance. Last evaluated: 2022-07-14. Review status: criteria provided, single submitter. Criteria: Invitae Variant Classification Sherloc (09022015). Collection method: clinical testing. Allele origin: germline.
Comment: Algorithms developed to predict the effect of missense changes on protein structure and function (SIFT, PolyPhen-2, Align-GVGD) all suggest that this variant is likely to be disruptive. This variant has not been reported in the literature in individuals affected with ADAMTSL4-related conditions. This variant is present in population databases (no rsID available, gnomAD no frequency). This sequence change replaces glycine, which is neutral and non-polar, with glutamic acid, which is acidic and polar, at codon 475 of the ADAMTSL4 protein (p.Gly475Glu). In summary, the available evidence is currently insufficient to determine the role of this variant in disease. Therefore, it has been classified as a Variant of Uncertain Significance.